The following is an entry in ClinVar:

ClinVar aggregate classification (germline): not provided (0 of 4 stars; one submission).

Conditions:
Severe myoclonic epilepsy in infancy (DRVT). Also called: SEVERE MYOCLONIC EPILEPSY OF INFANCY; DEVELOPMENTAL AND EPILEPTIC ENCEPHALOPATHY 6A; Severe Myoclonic Epilepsy in Infancy (SMEI); Dravet syndrome; Epileptic encephalopathy, early infantile, 6 (Dravet syndrome). Identifiers: Orphanet 33069, MedGen C0751122, MONDO:0100135, OMIM 607208.

Submissions (2):

Channelopathy-Associated Epilepsy Research Center
No classification provided (evidence only). Condition: Severe myoclonic epilepsy in infancy. Review status: no classification provided. Collection method: literature only. Allele origin: not applicable. Functional consequence: Mild decrease in peak current, Increase in slope of fast inactivation, Normal rate of recovery from fast inactivation, Normal voltage dependence of activation, Normal slope of activation, Normal voltage dependence of fast inactivation, Acceleration of entry into slow inactivation, Increase in slope of slow inactivation, Normal voltage dependence of slow inactivation, Normal recovery from slow inactivation, Overall loss-of-function effect with respect to biophysical channel activity. Not counted in ClinVar's aggregate classification.
ClinVar note: "not provided" was previously submitted as the classification for the variant. However, the classification appeared to be based only on an observation of functional data so it was converted to no classification on 2025-07-30.

UniProtKB/Swiss-Prot
No classification provided. Condition: Severe myoclonic epilepsy in infancy. Review status: no classification provided. Collection method: not provided. Allele origin: not provided.

Literature cited by the submitters: PubMed 15263074 (cited by Channelopathy-Associated Epilepsy Research Center).

NM_001165963.4(SCN1A):c.5246G>A (p.Gly1749Glu)

Genes: SCN1A (sodium voltage-gated channel alpha subunit 1; minus strand), LOC102724058 (uncharacterized LOC102724058; plus strand). Cytogenetic location: 2q24.3.
Variant type: single nucleotide variant.
Coding change: c.5246G>A on transcript NM_001165963.4 (MANE Select); coding-DNA position 5246, G replaced by A.
Protein change: p.Gly1749Glu; replaces glycine 1749 with glutamic acid.
Molecular consequence: missense variant. On other transcripts: non-coding transcript variant (1).
Genome position (GRCh38, 1-based): chr2:165,992,029, C>T on the plus strand (G>A on the coding strand, the complement: SCN1A is on the minus strand). VCF-style: chr2-165992029-C-T. GRCh37 (hg19) VCF-style: chr2-166848539-C-T.
Other names: c.5162G>A, p.Gly1721Glu (NM_001165964.3, NM_001353957.2, NM_001353958.2); c.5246G>A, p.Gly1749Glu (NM_001202435.3, NM_001353948.2); c.5213G>A, p.Gly1738Glu (NM_001353949.2, NM_001353950.2, NM_001353951.2 and 2 more transcripts); c.5210G>A, p.Gly1737Glu (NM_001353954.2, NM_001353955.2); c.5159G>A, p.Gly1720Glu (NM_001353960.2); c.2804G>A, p.Gly935Glu (NM_001353961.2); short protein forms G1738E, G1749E, G1721E, G1720E, G1737E, G935E.
Identifiers: ClinVar variation 68654 (VCV000068654.3), dbSNP rs121918798, ClinGen allele CA285219.